The following is an entry in ClinVar:

ClinVar aggregate classification (germline): Likely pathogenic (1 of 4 stars; one submission).

Conditions:
Congenital cataract-microcephaly-nevus flammeus simplex-severe intellectual disability syndrome. Also called: Basel-Vanagaite-Smirin-Yosef syndrome. Identifiers: Orphanet 464738, MedGen C4225323, MONDO:0014643, OMIM 616449.

Submission:

Juno Genomics, Hangzhou Juno Genomics, Inc
Classification: Likely pathogenic for Congenital cataract-microcephaly-nevus flammeus simplex-severe intellectual disability syndrome. Review status: criteria provided, single submitter. Criteria: ACMG Guidelines, 2015. Collection method: clinical testing. Allele origin: germline.
Comment: Null variant in a gene where loss of function (LOF) is a known mechanism of disease.;Absent from controls (or at extremely low frequency if recessive) in Genome Aggregation Database.

NM_030973.4(MED25):c.213del (p.Phe71fs)

Gene: MED25 (mediator complex subunit 25; plus strand). Cytogenetic location: 19q13.33.
Variant type: Deletion.
Coding change: c.213del on transcript NM_030973.4 (MANE Select); coding-DNA position 213, one base deleted (C; older notation c.213delC).
Protein change: p.Phe71fs; shifts the reading frame from phenylalanine 71.
Molecular consequence: frameshift variant.
Genome position (GRCh38, 1-based): chr19:49,819,204, C deleted. VCF-style (leftmost placement, unchanged base first): chr19-49819203-TC-T. GRCh37 (hg19) VCF-style: chr19-50322460-TC-T.
Other names: c.213del, p.Phe71fs (NM_001378355.1); short protein forms F71fs.
Identifiers: ClinVar variation 5006018 (VCV005006018.2).